The following is an entry in ClinVar:

NM_001369.3(DNAH5):c.*1502C>T

Gene: DNAH5 (dynein axonemal heavy chain 5; minus strand). Cytogenetic location: 5p15.2.
Variant type: single nucleotide variant.
Coding change: c.*1502C>T on transcript NM_001369.3 (MANE Select); 1502 bases downstream of the stop codon, C replaced by T.
Molecular consequence: 3 prime UTR variant.
Genome position (GRCh38, 1-based): chr5:13,690,482, G>A on the plus strand (C>T on the coding strand, the complement: DNAH5 is on the minus strand). VCF-style: chr5-13690482-G-A. GRCh37 (hg19) VCF-style: chr5-13690591-G-A.
Identifiers: ClinVar variation 350904 (VCV000350904.6), dbSNP rs144265705, ClinGen allele CA10619041.

ClinVar aggregate classification (germline): Likely benign. Review status: criteria provided, multiple submitters, no conflicts (2 of 4 stars). 2 submissions from 2 submitters: Likely benign (2). Last evaluated 2018-01-12.

Conditions:
Primary ciliary dyskinesia 3. Identifiers: Orphanet 244, MedGen C1837618, MONDO:0012085, OMIM 608644.

Allele frequency attached by ClinVar (database versions not stated): gnomAD 0.00842 and 0.00931; TOPMed 0.00882; 1000 Genomes Project 0.01797; 1000 Genomes Project 30x 0.01858.

Submissions (2):

Illumina Laboratory Services, Illumina
Classification: Likely benign for Primary ciliary dyskinesia 3. Last evaluated: 2018-01-12. Review status: criteria provided, single submitter. Criteria: ICSL Variant Classification Criteria 13 December 2019. Collection method: clinical testing. Allele origin: germline.
Comment: This variant was observed in the ICSL laboratory as part of a predisposition screen in an ostensibly healthy population. It had not been previously curated by ICSL or reported in the Human Gene Mutation Database (HGMD: prior to June 1st, 2018), and was therefore a candidate for classification through an automated scoring system. Utilizing variant allele frequency, disease prevalence and penetrance estimates, and inheritance mode, an automated score was calculated to assess if this variant is too frequent to cause the disease. Based on the score and internal cut-off values, a variant classified as likely benign is not then subjected to further curation. The score for this variant resulted in a classification of likely benign for this disease.

Breakthrough Genomics
Classification: Likely benign. Review status: criteria provided, single submitter. Criteria: ACMG Guidelines, 2015. Collection method: not provided. Allele origin: germline. Inheritance: Autosomal recessive inheritance. Affected: yes.